The following is an entry in ClinVar:

NM_000038.6(APC):c.1588G>C (p.Val530Leu)

Gene: APC (APC regulator of Wnt signaling pathway; plus strand). Cytogenetic location: 5q22.2.
Variant type: single nucleotide variant.
Coding change: c.1588G>C on transcript NM_000038.6 (MANE Select); coding-DNA position 1588, G replaced by C.
Protein change: p.Val530Leu; replaces valine 530 with leucine.
Molecular consequence: missense variant.
Genome position (GRCh38, 1-based): chr5:112,827,968, G>C. VCF-style: chr5-112827968-G-C. GRCh37 (hg19) VCF-style: chr5-112163665-G-C.
Other names: c.1588G>C, p.Val530Leu (NM_001127510.3, NM_001354895.2, NM_001407450.1); c.1534G>C, p.Val512Leu (NM_001127511.3); c.1642G>C, p.Val548Leu (NM_001354896.2, NM_001407447.1, NM_001407448.1 and 1 more transcripts); c.1618G>C, p.Val540Leu (NM_001354897.2); c.1513G>C, p.Val505Leu (NM_001354898.2); c.1504G>C, p.Val502Leu (NM_001354899.2); c.1465G>C, p.Val489Leu (NM_001354900.2); c.1411G>C, p.Val471Leu (NM_001354901.2, NM_001407453.1); and 11 more; short protein forms V247L, V404L, V489L, V505L, V540L, V548L, V370L, V520L.
Identifiers: ClinVar variation 1775853 (VCV001775853.8), dbSNP rs786204178, ClinGen allele CA16024775.
Genomic context (GRCh38, chr5:112,827,968, plus strand): 5'-TATTCTGTATTTAATTTACAGGCTACGCTATGCTCTATGAAAGGCTGCATGAGAGCACTT[G>C]TGGCCCAACTAAAATCTGAAAGTGAAGACTTACAGCAGGTACTATTTAGAATTTCACCTG-3'
Protein context (NP_000029.2, residues 520-540): CSMKGCMRAL[Val530Leu]AQLKSESEDL

ClinVar aggregate classification (germline): Uncertain significance. Review status: criteria provided, multiple submitters, no conflicts (2 of 4 stars). 2 submissions from 2 submitters: Uncertain significance (2). Last evaluated 2025-07-29.

Conditions:
Hereditary cancer-predisposing syndrome. Also called: Neoplastic Syndromes, Hereditary; Tumor predisposition; Hereditary Cancer Syndrome; Hereditary neoplastic syndrome. Identifiers: Orphanet 140162, MedGen C0027672, MeSH D009386, MONDO:0015356.
Familial adenomatous polyposis 1 (FAP1). Also called: FAMILIAL ADENOMATOUS POLYPOSIS 1, ATTENUATED; POLYPOSIS, ADENOMATOUS INTESTINAL. Identifiers: MedGen C2713442, MONDO:0021056, OMIM 175100. Disease mechanism: loss of function.

Submissions (2):

Ambry Genetics
Classification: Uncertain significance for Hereditary cancer-predisposing syndrome. Last evaluated: 2025-07-29. Review status: criteria provided, single submitter. Criteria: Ambry Variant Classification Scheme 2023. Collection method: clinical testing. Allele origin: germline.
Comment: The p.V530L variant (also known as c.1588G>C), located in coding exon 12 of the APC gene, results from a G to C substitution at nucleotide position 1588. The valine at codon 530 is replaced by leucine, an amino acid with highly similar properties. This amino acid position is highly conserved in available vertebrate species. In addition, in silico predictors for this gene do not accurately predict pathogenicity. Missense alterations in APC are not a common cause of disease (Spier I et al. Genet Med. 2024 Feb;26(2):100992). Based on the available evidence, the clinical significance of this variant remains unclear.

Labcorp Genetics (formerly Invitae), Labcorp
Classification: Uncertain significance for Familial adenomatous polyposis 1. Last evaluated: 2022-05-29. Review status: criteria provided, single submitter. Criteria: Invitae Variant Classification Sherloc (09022015). Collection method: clinical testing. Allele origin: germline.
Comment: Algorithms developed to predict the effect of missense changes on protein structure and function (SIFT, PolyPhen-2, Align-GVGD) all suggest that this variant is likely to be tolerated. In summary, the available evidence is currently insufficient to determine the role of this variant in disease. Therefore, it has been classified as a Variant of Uncertain Significance. This variant has not been reported in the literature in individuals affected with APC-related conditions. This sequence change replaces valine, which is neutral and non-polar, with leucine, which is neutral and non-polar, at codon 530 of the APC protein (p.Val530Leu). This variant is not present in population databases (gnomAD no frequency).